The following is an entry in ClinVar:

ClinVar aggregate classification (germline): Pathogenic (1 of 4 stars; one submission).

Conditions:
Joubert syndrome and related disorders. Identifiers: Orphanet 140874, MedGen C5679612, MONDO:0015369.

Submission:

Myriad Genetics, Inc.
Classification: Pathogenic for Joubert syndrome and related disorders. Last evaluated: 2024-11-21. Review status: criteria provided, single submitter. Criteria: Myriad Autosomal Dominant, Autosomal Recessive and X-Linked Classification Criteria (2023). Collection method: clinical testing. Allele origin: unknown.
Comment: NM_001080522.2(CC2D2A):c.2984_2988del5(M995Sfs*42) is expected to be pathogenic in the context of CC2D2A-related disorders. This variant is predicted to lead to an abnormal or absent protein product due to the creation of a premature termination codon in CC2D2A, a gene where loss-of-function variants are known to be pathogenic. Please note: this variant was assessed in the context of healthy population screening.

NM_001378615.1(CC2D2A):c.2984_2988del (p.Met995fs)

Genes: CC2D2A (coiled-coil and C2 domain containing 2A; plus strand), FBXL5 (F-box and leucine rich repeat protein 5; minus strand). Cytogenetic location: 4p15.32.
Variant type: Microsatellite.
Coding change: c.2984_2988del on transcript NM_001378615.1 (MANE Select); coding-DNA positions 2984 to 2988, 5 bases deleted (TGATA; older notation c.2984_2988delTGATA).
Protein change: p.Met995fs; shifts the reading frame from methionine 995.
Molecular consequence: frameshift variant.
Genome position (GRCh38, 1-based): chr4:15,560,592-15,560,596, TGATA deleted; deleting any 5 consecutive bases within chr4:15,560,587-15,560,596 gives the same sequence; the c. name uses the placement nearest the transcript's 3' end. VCF-style (leftmost placement, unchanged base first): chr4-15560586-CTGATA-C. GRCh37 (hg19) VCF-style: chr4-15562209-CTGATA-C.
Other names: c.2984_2988del, p.Met995fs (NM_001080522.2); c.2837_2841del, p.Met946fs (NM_001378617.1); short protein forms M946fs, M995fs.
Identifiers: ClinVar variation 5013782 (VCV005013782.1).